The following is an entry in ClinVar:

ClinVar aggregate classification (germline): Uncertain significance (1 of 4 stars; one submission).

Submission:

Labcorp Genetics (formerly Invitae), Labcorp
Classification: Uncertain significance. Last evaluated: 2025-08-29. Review status: criteria provided, single submitter. Criteria: Invitae Variant Classification Sherloc (09022015). Collection method: clinical testing. Allele origin: germline.
Comment: This sequence change replaces glutamic acid, which is acidic and polar, with lysine, which is basic and polar, at codon 119 of the BEST1 protein (p.Glu119Lys). This variant is not present in population databases (gnomAD no frequency). This variant has not been reported in the literature in individuals affected with BEST1-related conditions. ClinVar contains an entry for this variant (Variation ID: 2806514). Invitae Evidence Modeling of protein sequence and biophysical properties (such as structural, functional, and spatial information, amino acid conservation, physicochemical variation, residue mobility, and thermodynamic stability) indicates that this missense variant is expected to disrupt BEST1 protein function with a positive predictive value of 95%. In summary, the available evidence is currently insufficient to determine the role of this variant in disease. Therefore, it has been classified as a Variant of Uncertain Significance.

NM_004183.4(BEST1):c.355G>A (p.Glu119Lys)

Gene: BEST1 (bestrophin 1; plus strand). Cytogenetic location: 11q12.3.
Variant type: single nucleotide variant.
Coding change: c.355G>A on transcript NM_004183.4 (MANE Select); coding-DNA position 355, G replaced by A.
Protein change: p.Glu119Lys; replaces glutamic acid 119 with lysine.
Molecular consequence: missense variant. On other transcripts: non-coding transcript variant (1).
Genome position (GRCh38, 1-based): chr11:61,955,825, G>A. VCF-style: chr11-61955825-G-A. GRCh37 (hg19) VCF-style: chr11-61723297-G-A.
Other names: c.175G>A, p.Glu59Lys (NM_001139443.3, NM_001300786.2, NM_001300787.2); c.37G>A, p.Glu13Lys (NM_001363591.3); c.355G>A, p.Glu119Lys (NM_001363592.2); c.-821G>A (NM_001363593.3); short protein forms E59K, E13K, E119K.
Identifiers: ClinVar variation 2806514 (VCV002806514.3), dbSNP rs1805142, ClinGen allele CA380834644.